The following is an entry in ClinVar:

ClinVar aggregate classification (germline): Uncertain significance (1 of 4 stars; one submission).

Conditions:
Familial sleep-related hypermotor epilepsy. Also called: Autosomal Dominant Sleep-Related Hypermotor (Hyperkinetic) Epilepsy. Identifiers: Orphanet 98784, MedGen C3696898, MONDO:0000030.

Allele frequency attached by ClinVar (database versions not stated): gnomAD 0.00001; gnomAD exomes below 0.00001; TOPMed 0.00001.
gnomAD v4.1: 2 of 1,543,666 alleles (0.00013%); highest among the groups gnomAD compares: Non-Finnish European, 0.00017%; no homozygotes.

Submission:

Labcorp Genetics (formerly Invitae), Labcorp
Classification: Uncertain significance. Last evaluated: 2024-06-12. Review status: criteria provided, single submitter. Criteria: Invitae Variant Classification Sherloc (09022015). Collection method: clinical testing. Allele origin: germline.
Comment: This sequence change replaces arginine, which is basic and polar, with proline, which is neutral and non-polar, at codon 379 of the CHRNB2 protein (p.Arg379Pro). This variant is present in population databases (no rsID available, gnomAD 0.007%). This variant has not been reported in the literature in individuals affected with CHRNB2-related conditions. ClinVar contains an entry for this variant (Variation ID: 1488988). Advanced modeling of protein sequence and biophysical properties (such as structural, functional, and spatial information, amino acid conservation, physicochemical variation, residue mobility, and thermodynamic stability) performed at Invitae indicates that this missense variant is not expected to disrupt CHRNB2 protein function with a negative predictive value of 95%. In summary, the available evidence is currently insufficient to determine the role of this variant in disease. Therefore, it has been classified as a Variant of Uncertain Significance.

NM_000748.3(CHRNB2):c.1136G>C (p.Arg379Pro)

Gene: CHRNB2 (cholinergic receptor nicotinic beta 2 subunit; plus strand). Cytogenetic location: 1q21.3.
Variant type: single nucleotide variant.
Coding change: c.1136G>C on transcript NM_000748.3 (MANE Select); coding-DNA position 1136, G replaced by C.
Protein change: p.Arg379Pro; replaces arginine 379 with proline.
Molecular consequence: missense variant.
Genome position (GRCh38, 1-based): chr1:154,571,959, G>C. VCF-style: chr1-154571959-G-C. GRCh37 (hg19) VCF-style: chr1-154544435-G-C.
Other names: short protein forms R379P.
Identifiers: ClinVar variation 1488988 (VCV001488988.6), dbSNP rs1440128191, ClinGen allele CA342631556.